The following is an entry in ClinVar:

ClinVar aggregate classification (germline): Conflicting classifications of pathogenicity. Review status: criteria provided, conflicting classifications (1 of 4 stars). 4 submissions from 4 submitters: Uncertain significance (1); Likely benign (3). Last evaluated 2025-10-20.

Conditions:
Epidermolysis bullosa simplex 5B, with muscular dystrophy (EBS5B). Also called: EPIDERMOLYSIS BULLOSA SIMPLEX AND LIMB-GIRDLE MUSCULAR DYSTROPHY; Epidermolysis bullosa simplex with muscular dystrophy. Identifiers: Orphanet 257, MedGen C2931072, MONDO:0009181, OMIM 226670.
Epidermolysis bullosa simplex, Ogna type (EBS5A). Also called: Pidermolysis bullosa simplex 5A, Ogna type; EPIDERMOLYSIS BULLOSA SIMPLEX 5A, OGNA TYPE. Identifiers: Orphanet 79401, MedGen C0432317, MONDO:0007555, OMIM 131950.
Epidermolysis bullosa simplex 5C, with pyloric atresia (EBS5C). Also called: PLEC1-Related Epidermolysis Bullosa with Pyloric Atresia; PLEC-Related Epidermolysis Bullosa with Pyloric Atresia; Epidermolysis bullosa simplex with pyloric atresia. Identifiers: Orphanet 158684, MedGen C2677349, MONDO:0012807, OMIM 612138.
Epidermolysis bullosa simplex with nail dystrophy (EBS5D). Identifiers: MedGen C4225309, MONDO:0014661, OMIM 616487.
Autosomal recessive limb-girdle muscular dystrophy type 2Q (LGMDR17). Also called: MUSCULAR DYSTROPHY, LIMB-GIRDLE, AUTOSOMAL RECESSIVE 17. Identifiers: Orphanet 254361, MedGen C3150989, MONDO:0013390, OMIM 613723.

Allele frequency attached by ClinVar (database versions not stated): gnomAD exomes 0.00018; ExAC 0.00031; gnomAD 0.00062 and 0.00063; ESP Exome Variant Server 0.00072; TOPMed 0.00075; 1000 Genomes Project 0.00100; 1000 Genomes Project 30x 0.00125.
gnomAD v4.1: 191 of 1,582,648 alleles (0.012%); highest among the groups gnomAD compares: African/African-American, 0.23%; 1 homozygote.

Submissions (4):

Labcorp Genetics (formerly Invitae), Labcorp
Classification: Likely benign for Autosomal recessive limb-girdle muscular dystrophy type 2Q; Epidermolysis bullosa simplex, Ogna type; Epidermolysis bullosa simplex with nail dystrophy; Epidermolysis bullosa simplex 5C, with pyloric atresia; Epidermolysis bullosa simplex 5B, with muscular dystrophy. Last evaluated: 2025-10-20. Review status: criteria provided, single submitter. Criteria: Invitae Variant Classification Sherloc (09022015). Collection method: clinical testing. Allele origin: germline.

CeGaT Center for Human Genetics Tuebingen
Classification: Likely benign. Last evaluated: 2025-04-01. Review status: criteria provided, single submitter. Criteria: CeGaT Center For Human Genetics Tuebingen Variant Classification Criteria Version 2. Collection method: clinical testing. Allele origin: germline. Affected: yes. Observed: 2 variant alleles.
Comment: PLEC: BP4, BP7

GeneDx
Classification: Likely benign. Last evaluated: 2018-05-11. Review status: criteria provided, single submitter. Criteria: GeneDx Variant Classification (06012015). Collection method: clinical testing. Allele origin: germline. Affected: yes.
Comment: This variant is considered likely benign or benign based on one or more of the following criteria: it is a conservative change, it occurs at a poorly conserved position in the protein, it is predicted to be benign by multiple in silico algorithms, and/or has population frequency not consistent with disease.

Eurofins Ntd Llc (ga)
Classification: Uncertain significance. Last evaluated: 2018-01-24. Review status: criteria provided, single submitter. Criteria: EGL Classification Definitions 2015. Collection method: clinical testing. Allele origin: germline. Observed: 3 variant alleles, 3 heterozygotes.

NM_201384.3(PLEC):c.7098G>T (p.Arg2366=)

Gene: PLEC (plectin; minus strand). Cytogenetic location: 8q24.3.
Variant type: single nucleotide variant.
Coding change: c.7098G>T on transcript NM_201384.3 (MANE Select); coding-DNA position 7098, G replaced by T.
Protein change: p.Arg2366=; no amino-acid change (arginine 2366 retained).
Molecular consequence: synonymous variant.
Genome position (GRCh38, 1-based): chr8:143,922,831, C>A on the plus strand (G>T on the coding strand, the complement: PLEC is on the minus strand). VCF-style: chr8-143922831-C-A. GRCh37 (hg19) VCF-style: chr8-144996999-C-A.
Other names: c.7179G>T, p.Arg2393= (NM_000445.5); c.7056G>T, p.Arg2352= (NM_201378.4); c.7032G>T, p.Arg2344= (NM_201379.3); c.7509G>T, p.Arg2503= (NM_201380.4); c.7002G>T, p.Arg2334= (NM_201381.3); c.7098G>T, p.Arg2366= (NM_201382.4); c.7110G>T, p.Arg2370= (NM_201383.3).
Identifiers: ClinVar variation 539009 (VCV000539009.38), dbSNP rs79489944, ClinGen allele CA4925760.